The following is an entry in ClinVar:

ClinVar aggregate classification (germline): Uncertain significance. Review status: criteria provided, single submitter (1 of 4 stars). 2 submissions from 2 submitters: Uncertain significance (1). 1 of the submissions does not count toward it. Last evaluated 2025-08-20.

Conditions:
EPPK1-related disorder. Also called: EPPK1-related condition.

Allele frequency attached by ClinVar (database versions not stated): ExAC 0.00111; gnomAD 0.00295; TOPMed 0.00322; 1000 Genomes Project 0.00359; 1000 Genomes Project 30x 0.00359; ESP Exome Variant Server 0.00386.
gnomAD v4.1: 842 of 1,610,900 alleles (0.052%); highest among the groups gnomAD compares: African/African-American, 1.1%; 5 homozygotes.

Submissions (2):

Ambry Genetics
Classification: Uncertain significance. Last evaluated: 2025-08-20. Review status: criteria provided, single submitter. Criteria: Ambry Variant Classification Scheme 2023. Collection method: clinical testing. Allele origin: germline.

PreventionGenetics, part of Exact Sciences
Classification: Benign for EPPK1-related condition. Last evaluated: 2021-04-14. Review status: no assertion criteria provided. Collection method: clinical testing. Allele origin: germline. Not counted in ClinVar's aggregate classification.
Comment: This variant is classified as benign based on ACMG/AMP sequence variant interpretation guidelines (Richards et al. 2015 PMID: 25741868, with internal and published modifications).

NM_031308.4(EPPK1):c.4313C>G (p.Thr1438Arg)

Gene: EPPK1 (epiplakin 1; minus strand). Cytogenetic location: 8q24.3.
Variant type: single nucleotide variant.
Coding change: c.4313C>G on transcript NM_031308.4 (MANE Select); coding-DNA position 4313, C replaced by G.
Protein change: p.Thr1438Arg; replaces threonine 1438 with arginine.
Molecular consequence: missense variant.
Genome position (GRCh38, 1-based): chr8:143,868,941, G>C on the plus strand (C>G on the coding strand, the complement: EPPK1 is on the minus strand). VCF-style: chr8-143868941-G-C. GRCh37 (hg19) VCF-style: chr8-144943109-G-C.
Other names: c.4313C>G (NM_031308.1); short protein forms T1438R.
Identifiers: ClinVar variation 3040989 (VCV003040989.3), dbSNP rs115967324, ClinGen allele CA4922528.